The following is an entry in ClinVar:

NM_003679.5(KMO):c.223-1G>T

Gene: KMO (kynurenine 3-monooxygenase; plus strand). Cytogenetic location: 1q43.
Variant type: single nucleotide variant.
Coding change: c.223-1G>T on transcript NM_003679.5 (MANE Select); the canonical splice acceptor site of the intron before coding-DNA position 223, G replaced by T.
Molecular consequence: splice acceptor variant.
Genome position (GRCh38, 1-based): chr1:241,550,954, G>T. VCF-style: chr1-241550954-G-T. GRCh37 (hg19) VCF-style: chr1-241714254-G-T.
Other names: c.223-1G>T (NM_001410944.1).
Identifiers: ClinVar variation 4294310 (VCV004294310.1).
Genomic context (GRCh38, chr1:241,550,954, plus strand): 5'-ATCTTTCTTGCATAATGCCATGTTACTGTCATTGAAGTCAATATTTCTGGTTTCATTTCA[G>T]ATTGTATCCCAAGGTATTCCCATGAGAGCAAGAATGATCCACTCTCTTTCAGGAAAAAAG-3'

ClinVar aggregate classification (germline): Uncertain significance (1 of 4 stars; one submission).

Conditions:
KMO-related congenital malformation syndrome.

gnomAD v4.1: 2 of 1,486,712 alleles (0.00013%); highest among the groups gnomAD compares: Admixed American, 0.0024%; no homozygotes.

Submission:

Undiagnosed Diseases Network, NIH
Classification: Uncertain significance for KMO-related congenital malformation syndrome. Last evaluated: 2019-06-18. Review status: criteria provided, single submitter. Criteria: ACMG Guidelines, 2015. Collection method: clinical testing. Allele origin: paternal. Inheritance: Autosomal recessive inheritance. Affected: yes. Observed: 1 variant allele, 1 compound heterozygote. Study: Undiagnosed Diseases Network (NIH), UDN.
Comment: Variant was found in compound heterozygosity with KMO p.V253M variant in two affected siblings with congenital heart defects and verterbral anomalies. Recessive disruption of this pathway due to other genes causes similar phenotypes.